The following is an entry in ClinVar:

NM_001918.5(DBT):c.175+1G>A

Gene: DBT (dihydrolipoamide branched chain transacylase E2; minus strand). Cytogenetic location: 1p21.2.
Variant type: single nucleotide variant.
Coding change: c.175+1G>A on transcript NM_001918.5 (MANE Select); the canonical splice donor site of the intron after coding-DNA position 175, G replaced by A.
Molecular consequence: splice donor variant.
Genome position (GRCh38, 1-based): chr1:100,240,760, C>T on the plus strand (G>A on the coding strand, the complement: DBT is on the minus strand). VCF-style: chr1-100240760-C-T. GRCh37 (hg19) VCF-style: chr1-100706316-C-T.
Other names: c.-369+1G>A (NM_001399972.1, NM_001399969.1).
Identifiers: ClinVar variation 1510030 (VCV001510030.1), dbSNP rs2100844517, ClinGen allele CA341346749.

ClinVar aggregate classification (germline): Likely pathogenic (1 of 4 stars; one submission).

Conditions:
Maple syrup urine disease (MSUD). Identifiers: Orphanet 511, MedGen C0024776, MeSH D008375, MONDO:0009563. Disease mechanism: loss of function.

gnomAD v4.1: 1 of 1,593,948 alleles (0.000063%); highest among the groups gnomAD compares: Non-Finnish European, 0.000086%; no homozygotes.

Submission:

Labcorp Genetics (formerly Invitae), Labcorp
Classification: Likely pathogenic for Maple syrup urine disease. Last evaluated: 2021-07-25. Review status: criteria provided, single submitter. Criteria: Invitae Variant Classification Sherloc (09022015). Collection method: clinical testing. Allele origin: germline.
Comment: This sequence change affects a donor splice site in intron 2 of the DBT gene. It is expected to disrupt RNA splicing. Variants that disrupt the donor or acceptor splice site typically lead to a loss of protein function (PMID: 16199547), and loss-of-function variants in DBT are known to be pathogenic (PMID: 16579849, 16786533). This variant is not present in population databases (ExAC no frequency). This variant has not been reported in the literature in individuals affected with DBT-related conditions. Algorithms developed to predict the effect of sequence changes on RNA splicing suggest that this variant may disrupt the consensus splice site. In summary, the currently available evidence indicates that the variant is pathogenic, but additional data are needed to prove that conclusively. Therefore, this variant has been classified as Likely Pathogenic.

Literature cited by the submitters: PubMed 16199547; PubMed 16579849; PubMed 16786533.